The following is an entry in ClinVar:

NM_004656.4(BAP1):c.262C>G (p.Pro88Ala)

Gene: BAP1 (BRCA1 associated deubiquitinase 1; minus strand). Cytogenetic location: 3p21.1.
Variant type: single nucleotide variant.
Coding change: c.262C>G on transcript NM_004656.4 (MANE Select); coding-DNA position 262, C replaced by G.
Protein change: p.Pro88Ala; replaces proline 88 with alanine.
Molecular consequence: missense variant.
Genome position (GRCh38, 1-based): chr3:52,408,071, G>C on the plus strand (C>G on the coding strand, the complement: BAP1 is on the minus strand). VCF-style: chr3-52408071-G-C. GRCh37 (hg19) VCF-style: chr3-52442087-G-C.
Other names: short protein forms P88A.
Identifiers: ClinVar variation 1171863 (VCV001171863.9), dbSNP rs1304265975, ClinGen allele CA353112699.

ClinVar aggregate classification (germline): Uncertain significance. Review status: criteria provided, multiple submitters, no conflicts (2 of 4 stars). 4 submissions from 4 submitters: Uncertain significance (4). Last evaluated 2025-11-12.

Conditions:
BAP1-related tumor predisposition syndrome (TPDS1). Also called: Tumor susceptibility linked to germline BAP1 mutations; COMMON Syndrome; TUMOR PREDISPOSITION SYNDROME 1; BAP1 tumor predisposition syndrome. Identifiers: Orphanet 289539, MedGen C3280492, MONDO:0013692, OMIM 614327.
Hereditary cancer-predisposing syndrome. Also called: Tumor predisposition; Hereditary neoplastic syndrome; Hereditary Cancer Syndrome; Neoplastic Syndromes, Hereditary. Identifiers: Orphanet 140162, MedGen C0027672, MeSH D009386, MONDO:0015356.

gnomAD v4.1: 2 of 1,606,334 alleles (0.00012%); highest among the groups gnomAD compares: Non-Finnish European, 0.00017%; no homozygotes.

Submissions (4):

Labcorp Genetics (formerly Invitae), Labcorp
Classification: Uncertain significance for BAP1-related tumor predisposition syndrome. Last evaluated: 2025-11-12. Review status: criteria provided, single submitter. Criteria: Invitae Variant Classification Sherloc (09022015). Collection method: clinical testing. Allele origin: germline.
Comment: This sequence change replaces proline, which is neutral and non-polar, with alanine, which is neutral and non-polar, at codon 88 of the BAP1 protein (p.Pro88Ala). This variant is not present in population databases (gnomAD no frequency). This variant has not been reported in the literature in individuals affected with BAP1-related conditions. ClinVar contains an entry for this variant (Variation ID: 1171863). Invitae Evidence Modeling of protein sequence and biophysical properties (such as structural, functional, and spatial information, amino acid conservation, physicochemical variation, residue mobility, and thermodynamic stability) indicates that this missense variant is expected to disrupt BAP1 protein function with a positive predictive value of 80%. In summary, the available evidence is currently insufficient to determine the role of this variant in disease. Therefore, it has been classified as a Variant of Uncertain Significance.

Ambry Genetics
Classification: Uncertain significance for Hereditary cancer-predisposing syndrome. Last evaluated: 2024-07-09. Review status: criteria provided, single submitter. Criteria: Ambry Variant Classification Scheme 2023. Collection method: clinical testing. Allele origin: germline.
Comment: The p.P88A variant (also known as c.262C>G), located in coding exon 5 of the BAP1 gene, results from a C to G substitution at nucleotide position 262. The proline at codon 88 is replaced by alanine, an amino acid with highly similar properties. This amino acid position is highly conserved in available vertebrate species. In addition, the in silico prediction for this alteration is inconclusive. Based on the available evidence, the clinical significance of this variant remains unclear.

Color Diagnostics, LLC DBA Color Health
Classification: Uncertain significance for Hereditary cancer-predisposing syndrome. Last evaluated: 2024-03-07. Review status: criteria provided, single submitter. Criteria: ACMG Guidelines, 2015. Collection method: clinical testing. Allele origin: germline.
Comment: This missense variant replaces proline with alanine at codon 88 of the BAP1 protein. Computational prediction is inconclusive regarding the impact of this variant on protein structure and function (internally defined REVEL score threshold 0.5 < inconclusive < 0.7, PMID: 27666373). To our knowledge, functional studies have not been reported for this variant. This variant has not been reported in individuals affected with hereditary cancer in the literature. This variant has not been identified in the general population by the Genome Aggregation Database (gnomAD). The available evidence is insufficient to determine the role of this variant in disease conclusively. Therefore, this variant is classified as a Variant of Uncertain Significance.

Baylor Genetics
Classification: Uncertain significance for BAP1-related tumor predisposition syndrome. Last evaluated: 2024-01-16. Review status: criteria provided, single submitter. Criteria: ACMG Guidelines, 2015. Collection method: clinical testing. Allele origin: unknown.